The following is an entry in ClinVar:

ClinVar aggregate classification (germline): Likely benign (1 of 4 stars; one submission).

Submission:

Women's Health and Genetics/Laboratory Corporation of America, LabCorp
Classification: Likely benign. Last evaluated: 2025-12-24. Review status: criteria provided, single submitter. Criteria: LabCorp Variant Classification Summary - May 2015. Collection method: clinical testing. Allele origin: germline.
Comment: Variant summary: The variant involves the duplication of exon 1 in the SKI gene. A presumed nomenclature of c.(?_-449)_(969+1_970-1)dup has been designated for the purposes of this classification. The exact breakpoint at the 5' end of this variant is unknown, therefore this duplication may extend upstream of the annotated region of this gene. It is predicted to duplicate a segment including the initiation codon, therefore its impact on the encoded protein is unknown. Multiple similar duplications which cover exon 1 of the gene (and also extend upstream to include other gene(s)) were found in the in the gnomAD database SVs & CNVs datasets, e.g. a large duplication (Size: ~61 kbp) was found at a frequency of 0.00015 in 462879 control chromosomes in the gnomAD database (CNVs v4.1 dataset). The observed variant frequency exceeds the estimated maximal expected allele frequency for disease-causing variants in SKI. In addition, the occurrence in several carriers also suggests that similar variants are likely not associated with a high penetrance, severe, early onset disease phenotypes in heterozygous state. A similar large duplication has been observed in an individual affected with nonsyndromic cleft lip (Ghazali_2021), however no supportive evidence for causality was provided. These report(s) do not provide unequivocal conclusions about association of the variant with Aortopathy. To our knowledge, no experimental evidence demonstrating an impact on protein function has been reported. The following publication have been ascertained in the context of this evaluation (PMID: 33732167). ClinVar contains an entry for this variant (Variation ID: 3247721). Based on the evidence outlined above, the variant was classified as likely benign.

Literature cited by the submitters: PubMed 33732167.

NC_000001.10:g.(?_2159757)_(2161175_2234416)dup

Gene: SKI (SKI proto-oncogene; plus strand). Cytogenetic location: 1p36.33.
Variant type: Duplication.
Identifiers: ClinVar variation 4688842 (VCV004688842.1).